The following is an entry in ClinVar:

ClinVar aggregate classification (germline): Pathogenic. Review status: criteria provided, single submitter (1 of 4 stars). 3 submissions from 3 submitters: Pathogenic (1). 2 of the submissions do not count toward it. Last evaluated 2025-11-24.

Conditions:
Hennekam lymphangiectasia-lymphedema syndrome 1 (HKLLS1). Also called: LYMPHATIC DYSPLASIA, GENERALIZED. Identifiers: Orphanet 2136, MedGen C4012050, MONDO:0009337, OMIM 235510.

Allele frequency attached by ClinVar (database versions not stated): ExAC 0.00001; gnomAD 0.00001; gnomAD exomes 0.00001 and 0.00002; TOPMed 0.00001.
gnomAD v4.1: 24 of 1,613,610 alleles (0.0015%); highest among the groups gnomAD compares: Non-Finnish European, 0.0019%; no homozygotes.

Submissions (3):

Labcorp Genetics (formerly Invitae), Labcorp
Classification: Pathogenic. Last evaluated: 2025-11-24. Review status: criteria provided, single submitter. Criteria: Invitae Variant Classification Sherloc (09022015). Collection method: clinical testing. Allele origin: germline.
Comment: This sequence change replaces cysteine, which is neutral and slightly polar, with arginine, which is basic and polar, at codon 174 of the CCBE1 protein (p.Cys174Arg). This variant is present in population databases (rs121908254, gnomAD 0.004%). This missense change has been observed in individuals with Hennekam lymphangiectasia-lymphedema syndrome (PMID: 19935664, 23653581, 38441203). ClinVar contains an entry for this variant (Variation ID: 450). Invitae Evidence Modeling of protein sequence and biophysical properties (such as structural, functional, and spatial information, amino acid conservation, physicochemical variation, residue mobility, and thermodynamic stability) indicates that this missense variant is expected to disrupt CCBE1 protein function with a positive predictive value of 80%. Experimental studies have shown that this missense change affects CCBE1 function (PMID: 19935664). This variant disrupts the p.Cys174 amino acid residue in CCBE1. Other variant(s) that disrupt this residue have been determined to be pathogenic (PMID: 23653581, 26686525, 32472549). This suggests that this residue is clinically significant, and that variants that disrupt this residue are likely to be disease-causing. For these reasons, this variant has been classified as Pathogenic.

OMIM
Classification: Pathogenic for HENNEKAM LYMPHANGIECTASIA-LYMPHEDEMA SYNDROME 1. Last evaluated: 2009-12-01. Review status: no assertion criteria provided. Collection method: literature only. Allele origin: germline. Not counted in ClinVar's aggregate classification.

UniProtKB/Swiss-Prot
No classification provided. Condition: Hennekam lymphangiectasia-lymphedema syndrome. Review status: no classification provided. Collection method: not provided. Allele origin: not provided. Not counted in ClinVar's aggregate classification.

Literature cited by the submitters: PubMed 19935664 (cited by Labcorp Genetics (formerly Invitae), Labcorp and OMIM); PubMed 23653581 (cited by Labcorp Genetics (formerly Invitae), Labcorp); PubMed 38441203 (cited by Labcorp Genetics (formerly Invitae), Labcorp); PubMed 26686525 (cited by Labcorp Genetics (formerly Invitae), Labcorp); PubMed 32472549 (cited by Labcorp Genetics (formerly Invitae), Labcorp).

NM_133459.4(CCBE1):c.520T>C (p.Cys174Arg)

Gene: CCBE1 (collagen and calcium binding EGF domains 1; minus strand). Cytogenetic location: 18q21.32.
Variant type: single nucleotide variant.
Coding change: c.520T>C on transcript NM_133459.4 (MANE Select); coding-DNA position 520, T replaced by C.
Protein change: p.Cys174Arg; replaces cysteine 174 with arginine.
Molecular consequence: missense variant.
Genome position (GRCh38, 1-based): chr18:59,466,772, A>G on the plus strand (T>C on the coding strand, the complement: CCBE1 is on the minus strand). VCF-style: chr18-59466772-A-G. GRCh37 (hg19) VCF-style: chr18-57134004-A-G.
Other names: c.520T>C, p.Cys174Arg (LRG_1209t1); short protein forms C174R.
Identifiers: ClinVar variation 450 (VCV000000450.6), dbSNP rs121908254, ClinGen allele CA278008.